The following is an entry in ClinVar:

ClinVar aggregate classification (germline): Uncertain significance (1 of 4 stars; one submission).

Conditions:
Familial cancer of breast. Also called: Hereditary breast cancer; BREAST CANCER, FAMILIAL; hereditary breast carcinoma. Identifiers: Orphanet 227535, MedGen C0346153, MONDO:0016419, OMIM 114480. Disease mechanism: loss of function.

gnomAD v4.1: 2 of 1,613,994 alleles (0.00012%); highest among the groups gnomAD compares: Admixed American, 0.0017%; no homozygotes.

Submission:

Labcorp Genetics (formerly Invitae), Labcorp
Classification: Uncertain significance for Familial cancer of breast. Last evaluated: 2024-12-20. Review status: criteria provided, single submitter. Criteria: Invitae Variant Classification Sherloc (09022015). Collection method: clinical testing. Allele origin: germline.
Comment: This sequence change replaces serine, which is neutral and polar, with proline, which is neutral and non-polar, at codon 53 of the CHEK2 protein (p.Ser53Pro). This variant is present in population databases (no rsID available, gnomAD 0.003%). This variant has not been reported in the literature in individuals affected with CHEK2-related conditions. An algorithm developed to predict the effect of missense changes on protein structure and function (PolyPhen-2) suggests that this variant is likely to be disruptive. In summary, the available evidence is currently insufficient to determine the role of this variant in disease. Therefore, it has been classified as a Variant of Uncertain Significance.

NM_007194.4(CHEK2):c.157T>C (p.Ser53Pro)

Gene: CHEK2 (checkpoint kinase 2; minus strand). Cytogenetic location: 22q12.1.
Variant type: single nucleotide variant.
Coding change: c.157T>C on transcript NM_007194.4 (MANE Select); coding-DNA position 157, T replaced by C.
Protein change: p.Ser53Pro; replaces serine 53 with proline.
Molecular consequence: missense variant.
Genome position (GRCh38, 1-based): chr22:28,734,565, A>G on the plus strand (T>C on the coding strand, the complement: CHEK2 is on the minus strand). VCF-style: chr22-28734565-A-G. GRCh37 (hg19) VCF-style: chr22-29130553-A-G.
Other names: c.157T>C, p.Ser53Pro (NM_001005735.3, NM_001349956.3, NM_145862.3); c.-621T>C (NM_001257387.3); short protein forms S53P.
Identifiers: ClinVar variation 3727685 (VCV003727685.2).